The following is an entry in ClinVar:

NM_014332.3(SMPX):c.150G>A (p.Ser50=)

Gene: SMPX (small muscle protein X-linked; minus strand). Cytogenetic location: Xp22.12.
Variant type: single nucleotide variant.
Coding change: c.150G>A on transcript NM_014332.3 (MANE Select); coding-DNA position 150, G replaced by A.
Protein change: p.Ser50=; no amino-acid change (serine 50 retained).
Molecular consequence: synonymous variant. On other transcripts: non-coding transcript variant (1).
Genome position (GRCh38, 1-based): chrX:21,737,680, C>T on the plus strand (G>A on the coding strand, the complement: SMPX is on the minus strand). VCF-style: chrX-21737680-C-T. GRCh37 (hg19) VCF-style: chrX-21755798-C-T.
Identifiers: ClinVar variation 668424 (VCV000668424.4), dbSNP rs199902985, ClinGen allele CA10367209.

ClinVar aggregate classification (germline): Likely benign. Review status: criteria provided, multiple submitters, no conflicts (2 of 4 stars). 2 submissions from 2 submitters: Likely benign (2). Last evaluated 2025-08-18.

Allele frequency attached by ClinVar (database versions not stated): ExAC 0.00001; 1000 Genomes Project 30x 0.00042; gnomAD exomes below 0.00001; gnomAD 0.00002; 1000 Genomes Project 0.00026.
gnomAD v4.1: 7 of 1,208,724 alleles (0.00058%); highest among the groups gnomAD compares: South Asian, 0.0018%; no homozygotes.

Submissions (2):

Labcorp Genetics (formerly Invitae), Labcorp
Classification: Likely benign. Last evaluated: 2025-08-18. Review status: criteria provided, single submitter. Criteria: Invitae Variant Classification Sherloc (09022015). Collection method: clinical testing. Allele origin: germline.

GeneDx
Classification: Likely benign. Last evaluated: 2018-06-11. Review status: criteria provided, single submitter. Criteria: GeneDx Variant Classification (06012015). Collection method: clinical testing. Allele origin: germline. Affected: yes.
Comment: This variant is considered likely benign or benign based on one or more of the following criteria: it is a conservative change, it occurs at a poorly conserved position in the protein, it is predicted to be benign by multiple in silico algorithms, and/or has population frequency not consistent with disease.